The following is an entry in ClinVar:

ClinVar aggregate classification (germline): Uncertain significance. Review status: criteria provided, multiple submitters, no conflicts (2 of 4 stars). 2 submissions from 2 submitters: Uncertain significance (2). Last evaluated 2023-11-25.

Conditions:
Inborn genetic diseases. Identifiers: MedGen C0950123, MeSH D030342.
Usher syndrome type 3B. Also called: USHER SYNDROME, TYPE IIIB. Identifiers: MedGen C3281066, MONDO:0013788, OMIM 614504.

Allele frequency attached by ClinVar (database versions not stated): gnomAD exomes below 0.00001.
gnomAD v4.1: 3 of 1,613,836 alleles (0.00019%); highest among the groups gnomAD compares: South Asian, 0.0011%; no homozygotes.

Submissions (2):

Labcorp Genetics (formerly Invitae), Labcorp
Classification: Uncertain significance for Usher syndrome type 3B. Last evaluated: 2023-11-25. Review status: criteria provided, single submitter. Criteria: Invitae Variant Classification Sherloc (09022015). Collection method: clinical testing. Allele origin: germline.
Comment: This sequence change replaces proline, which is neutral and non-polar, with leucine, which is neutral and non-polar, at codon 67 of the HARS protein (p.Pro67Leu). This variant is not present in population databases (gnomAD no frequency). This variant has not been reported in the literature in individuals affected with HARS-related conditions. ClinVar contains an entry for this variant (Variation ID: 985731). Advanced modeling of protein sequence and biophysical properties (such as structural, functional, and spatial information, amino acid conservation, physicochemical variation, residue mobility, and thermodynamic stability) performed at Invitae indicates that this missense variant is expected to disrupt HARS protein function with a positive predictive value of 80%. In summary, the available evidence is currently insufficient to determine the role of this variant in disease. Therefore, it has been classified as a Variant of Uncertain Significance.

Ambry Genetics
Classification: Uncertain significance for Inborn genetic diseases. Last evaluated: 2017-11-13. Review status: criteria provided, single submitter. Criteria: Ambry exome assertion method (8-5-2015). Collection method: clinical testing. Allele origin: germline. Affected: yes. Observed: 1 variant allele.

NM_002109.6(HARS1):c.200C>T (p.Pro67Leu)

Gene: HARS1 (histidyl-tRNA synthetase 1; minus strand). Cytogenetic location: 5q31.3.
Variant type: single nucleotide variant.
Coding change: c.200C>T on transcript NM_002109.6 (MANE Select); coding-DNA position 200, C replaced by T.
Protein change: p.Pro67Leu; replaces proline 67 with leucine.
Molecular consequence: missense variant. On other transcripts: intron variant (3).
Genome position (GRCh38, 1-based): chr5:140,683,200, G>A on the plus strand (C>T on the coding strand, the complement: HARS1 is on the minus strand). VCF-style: chr5-140683200-G-A. GRCh37 (hg19) VCF-style: chr5-140062785-G-A.
Other names: c.200C>T, p.Pro67Leu (NM_001258041.3, NM_001289092.2); c.113C>T, p.Pro38Leu (NM_001289094.2); c.181-5185C>T (NM_001289093.2); c.181-3317C>T (NM_001258042.3, NM_001258040.3); short protein forms P38L, P67L.
Identifiers: ClinVar variation 985731 (VCV000985731.8), dbSNP rs1758824887, ClinGen allele CA361259312.
Genomic context (GRCh38, chr5:140,683,200, plus strand): 5'-TGGCGCTTGAAGCAACGGATGATTACGTCAAACACCTTCTCGCGAACTGCCATCTGCCGG[G>A]GACTATAGTCTCTTGTGCCCTTGGAGTTGAAATCAGCCAGAGAACCAGAAATGAGGTTTG-3'
Protein context (NP_002100.2, residues 57-77): KTPKGTRDYS[Pro67Leu]RQMAVREKVF